The following is an entry in ClinVar:

ClinVar aggregate classification (germline): Uncertain significance (1 of 4 stars; one submission).

Conditions:
Pancreatic adenocarcinoma. Identifiers: MedGen C0281361, MONDO:0006047, HP:0006725.

Allele frequency attached by ClinVar (database versions not stated): gnomAD exomes below 0.00001; TOPMed 0.00001.
gnomAD v4.1: 1 of 1,613,772 alleles (0.000062%); highest among the groups gnomAD compares: Non-Finnish European, 0.000085%; no homozygotes.

Submission:

Labcorp Genetics (formerly Invitae), Labcorp
Classification: Uncertain significance for Pancreatic adenocarcinoma. Last evaluated: 2015-09-02. Review status: criteria provided, single submitter. Criteria: Invitae Variant Classification Sherloc (09022015). Collection method: clinical testing. Allele origin: germline.
Comment: Algorithms developed to predict the effect of missense changes on protein structure and function (SIFT, PolyPhen-2, Align-GVGD) all suggest that this variant is likely to be disruptive, but these predictions have not been confirmed by published functional studies. In summary, this is a novel missense change with uncertain impact on protein function. It has been classified as a Variant of Uncertain Significance. This variant is not present in population databases and has not been reported in the literature. This sequence change replaces threonine with isoleucine at codon 355 of the PALLD protein (p.Thr355Ile). The threonine residue is highly conserved and there is a moderate physicochemical difference between threonine and isoleucine.

NM_001166108.2(PALLD):c.2576C>T (p.Thr859Ile)

Genes: CBR4 (carbonyl reductase 4; minus strand), PALLD (palladin, cytoskeletal associated protein; plus strand). Cytogenetic location: 4q32.3.
Variant type: single nucleotide variant.
Coding change: c.2576C>T on transcript NM_001166108.2 (MANE Select); coding-DNA position 2576, C replaced by T.
Protein change: p.Thr859Ile; replaces threonine 859 with isoleucine.
Molecular consequence: missense variant.
Genome position (GRCh38, 1-based): chr4:168,903,860, C>T. VCF-style: chr4-168903860-C-T. GRCh37 (hg19) VCF-style: chr4-169825011-C-T.
Other names: c.1379C>T, p.Thr460Ile (NM_001166109.2); c.1064C>T, p.Thr355Ile (NM_001166110.2); c.404C>T, p.Thr135Ile (NM_001367567.1, NM_001367569.1); c.455C>T, p.Thr152Ile (NM_001367568.1, NM_001367570.1); c.2525C>T, p.Thr842Ile (NM_016081.4); short protein forms T842I, T355I, T152I, T135I, T460I, T859I.
Identifiers: ClinVar variation 220118 (VCV000220118.7), dbSNP rs864622388, ClinGen allele CA349295.